The following is an entry in ClinVar:

ClinVar aggregate classification (germline): Uncertain significance (1 of 4 stars; one submission).

Conditions:
Inborn genetic diseases. Identifiers: MedGen C0950123, MeSH D030342.

gnomAD v4.1: 1 of 1,611,606 alleles (0.000062%); highest among the groups gnomAD compares: Non-Finnish European, 0.000085%; no homozygotes.

Submission:

Ambry Genetics
Classification: Uncertain significance for Inborn genetic diseases. Last evaluated: 2026-01-13. Review status: criteria provided, single submitter. Criteria: Ambry Variant Classification Scheme 2023. Collection method: clinical testing. Allele origin: germline.
Comment: The p.V273I variant (also known as c.817G>A), located in coding exon 8 of the ANKRD26 gene, results from a G to A substitution at nucleotide position 817. The valine at codon 273 is replaced by isoleucine, an amino acid with highly similar properties. This amino acid position is conserved. In addition, this alteration is predicted to be tolerated by in silico analysis. Based on the available evidence, the clinical significance of this variant remains unclear.

NM_014915.3(ANKRD26):c.817G>A (p.Val273Ile)

Gene: ANKRD26 (ankyrin repeat domain 26; minus strand). Cytogenetic location: 10p12.1.
Variant type: single nucleotide variant.
Coding change: c.817G>A on transcript NM_014915.3 (MANE Select); coding-DNA position 817, G replaced by A.
Protein change: p.Val273Ile; replaces valine 273 with isoleucine.
Molecular consequence: missense variant.
Genome position (GRCh38, 1-based): chr10:27,077,690, C>T on the plus strand (G>A on the coding strand, the complement: ANKRD26 is on the minus strand). VCF-style: chr10-27077690-C-T. GRCh37 (hg19) VCF-style: chr10-27366619-C-T.
Other names: c.817G>A, p.Val273Ile (NM_001256053.2); short protein forms V273I.
Identifiers: ClinVar variation 4842368 (VCV004842368.1).